The following is an entry in ClinVar:

ClinVar aggregate classification (germline): Uncertain significance (1 of 4 stars; one submission).

Allele frequency attached by ClinVar (database versions not stated): gnomAD exomes below 0.00001; TOPMed below 0.00001.
gnomAD v4.1: 2 of 1,614,014 alleles (0.00012%); highest among the groups gnomAD compares: Non-Finnish European, 0.00017%; no homozygotes.

Submission:

Labcorp Genetics (formerly Invitae), Labcorp
Classification: Uncertain significance. Last evaluated: 2022-11-29. Review status: criteria provided, single submitter. Criteria: Invitae Variant Classification Sherloc (09022015). Collection method: clinical testing. Allele origin: germline.
Comment: This variant has not been reported in the literature in individuals affected with SCN3A-related conditions. In summary, the available evidence is currently insufficient to determine the role of this variant in disease. Therefore, it has been classified as a Variant of Uncertain Significance. Advanced modeling of protein sequence and biophysical properties (such as structural, functional, and spatial information, amino acid conservation, physicochemical variation, residue mobility, and thermodynamic stability) performed at Invitae indicates that this missense variant is not expected to disrupt SCN3A protein function. This variant is not present in population databases (gnomAD no frequency). This sequence change replaces lysine, which is basic and polar, with arginine, which is basic and polar, at codon 585 of the SCN3A protein (p.Lys585Arg).

NM_006922.4(SCN3A):c.1754A>G (p.Lys585Arg)

Gene: SCN3A (sodium voltage-gated channel alpha subunit 3; minus strand). Cytogenetic location: 2q24.3.
Variant type: single nucleotide variant.
Coding change: c.1754A>G on transcript NM_006922.4 (MANE Select); coding-DNA position 1754, A replaced by G.
Protein change: p.Lys585Arg; replaces lysine 585 with arginine.
Molecular consequence: missense variant.
Genome position (GRCh38, 1-based): chr2:165,140,916, T>C on the plus strand (A>G on the coding strand, the complement: SCN3A is on the minus strand). VCF-style: chr2-165140916-T-C. GRCh37 (hg19) VCF-style: chr2-165997426-T-C.
Other names: c.1754A>G, p.Lys585Arg (NM_001081676.2, NM_001081677.2); short protein forms K585R.
Identifiers: ClinVar variation 1721001 (VCV001721001.5), dbSNP rs1687974304, ClinGen allele CA349046946.
Genomic context (GRCh38, chr2:165,140,916, plus strand): 5'-TCGCTGTCTTCAAATGTGCTGTGTTCATCATCAGCAAAGTCATTTTCAGATCCAACATCC[T>C]TTGCCCGACCTCTGAAACTGAAAATGCTTGTTTTGCTATTGCGTCTTGGGGAAAACAGGG-3'
Protein context (NP_008853.3, residues 575-595): TSIFSFRGRA[Lys585Arg]DVGSENDFAD